The following is an entry in ClinVar:

ClinVar aggregate classification (germline): Pathogenic. Review status: criteria provided, multiple submitters, no conflicts (2 of 4 stars). 3 submissions from 3 submitters: Pathogenic (2). 1 of the submissions does not count toward it. Last evaluated 2025-07-31.

Conditions:
Glutaric aciduria, type 1. Also called: Glutaryl-CoA dehydrogenase deficiency; Glutaricaciduria, type I; GA I; Glutaric Acidemia Type 1; Glutaric acidemia type I; Glutaricacidemia Type 1. Identifiers: Orphanet 25, MedGen C0268595, MONDO:0009281, OMIM 231670.

Allele frequency attached by ClinVar (database versions not stated): gnomAD exomes below 0.00001.
gnomAD v4.1: 2 of 1,613,792 alleles (0.00012%); highest among the groups gnomAD compares: Admixed American, 0.0033%; no homozygotes.

Submissions (3):

Labcorp Genetics (formerly Invitae), Labcorp
Classification: Pathogenic for Glutaric aciduria, type 1. Last evaluated: 2025-07-31. Review status: criteria provided, single submitter. Criteria: Invitae Variant Classification Sherloc (09022015). Collection method: clinical testing. Allele origin: germline.
Comment: This sequence change replaces tyrosine, which is neutral and polar, with histidine, which is basic and polar, at codon 113 of the GCDH protein (p.Tyr113His). This variant is not present in population databases (gnomAD no frequency). This missense change has been observed in individual(s) with glutaric aciduria (PMID: 10699052, 19433437). ClinVar contains an entry for this variant (Variation ID: 557526). An algorithm developed to predict the effect of missense changes on protein structure and function (PolyPhen-2) suggests that this variant is likely to be tolerated. Experimental studies have shown that this missense change affects GCDH function (PMID: 28062662). For these reasons, this variant has been classified as Pathogenic.

Baylor Genetics
Classification: Pathogenic for Glutaric aciduria, type 1. Last evaluated: 2024-03-14. Review status: criteria provided, single submitter. Criteria: ACMG Guidelines, 2015. Collection method: clinical testing. Allele origin: unknown.

Counsyl
Classification: Likely pathogenic for Glutaric aciduria, type 1. Last evaluated: 2018-03-28. Review status: no assertion criteria provided. Collection method: clinical testing. Allele origin: unknown. Not counted in ClinVar's aggregate classification.

Literature cited by the submitters: PubMed 10699052 (cited by Labcorp Genetics (formerly Invitae), Labcorp); PubMed 19433437 (cited by Labcorp Genetics (formerly Invitae), Labcorp and Counsyl); PubMed 28062662 (cited by Labcorp Genetics (formerly Invitae), Labcorp and Counsyl).

NM_000159.4(GCDH):c.337T>C (p.Tyr113His)

Gene: GCDH (glutaryl-CoA dehydrogenase; plus strand). Cytogenetic location: 19p13.13.
Variant type: single nucleotide variant.
Coding change: c.337T>C on transcript NM_000159.4 (MANE Select); coding-DNA position 337, T replaced by C.
Protein change: p.Tyr113His; replaces tyrosine 113 with histidine.
Molecular consequence: missense variant. On other transcripts: non-coding transcript variant (2).
Genome position (GRCh38, 1-based): chr19:12,893,485, T>C. VCF-style: chr19-12893485-T-C. GRCh37 (hg19) VCF-style: chr19-13004299-T-C.
Other names: c.337T>C, p.Tyr113His (NM_013976.5); short protein forms Y113H.
Identifiers: ClinVar variation 557526 (VCV000557526.13), dbSNP rs1555749853, ClinGen allele CA404316740.